The following is an entry in ClinVar:

ClinVar aggregate classification (germline): Uncertain significance. Review status: criteria provided, multiple submitters, no conflicts (2 of 4 stars). 3 submissions from 3 submitters: Uncertain significance (3). Last evaluated 2025-01-20.

Conditions:
Hereditary cancer-predisposing syndrome. Also called: Tumor predisposition; Neoplastic Syndromes, Hereditary; Hereditary Cancer Syndrome; Hereditary neoplastic syndrome. Identifiers: Orphanet 140162, MedGen C0027672, MeSH D009386, MONDO:0015356.
Familial cancer of breast. Also called: hereditary breast carcinoma; Hereditary breast cancer; BREAST CANCER, FAMILIAL. Identifiers: Orphanet 227535, MedGen C0346153, MONDO:0016419, OMIM 114480. Disease mechanism: loss of function.

Submissions (3):

Ambry Genetics
Classification: Uncertain significance for Hereditary cancer-predisposing syndrome. Last evaluated: 2025-01-20. Review status: criteria provided, single submitter. Criteria: Ambry Variant Classification Scheme 2023. Collection method: clinical testing. Allele origin: germline.
Comment: The p.Q2893L variant (also known as c.8678A>T), located in coding exon 20 of the BRCA2 gene, results from an A to T substitution at nucleotide position 8678. The glutamine at codon 2893 is replaced by leucine, an amino acid with dissimilar properties. This amino acid position is conserved. In addition, the in silico prediction for this alteration is inconclusive. Based on the available evidence, the clinical significance of this variant remains unclear.

Baylor Genetics
Classification: Uncertain significance for Familial cancer of breast. Last evaluated: 2024-02-16. Review status: criteria provided, single submitter. Criteria: ACMG Guidelines, 2015. Collection method: clinical testing. Allele origin: unknown.

Women's Health and Genetics/Laboratory Corporation of America, LabCorp
Classification: Uncertain significance. Last evaluated: 2022-08-11. Review status: criteria provided, single submitter. Criteria: LabCorp Variant Classification Summary - May 2015. Collection method: clinical testing. Allele origin: germline.
Comment: Variant summary: BRCA2 c.8678A>T (p.Gln2893Leu) results in a non-conservative amino acid change in the encoded protein sequence. Three of four in-silico tools predict a damaging effect of the variant on protein function. The variant was absent in 251318 control chromosomes (gnomAD). The available data on variant occurrences in the general population are insufficient to allow any conclusion about variant significance. To our knowledge, no occurrence of c.8678A>T in individuals affected with Hereditary Breast And Ovarian Cancer Syndrome and no experimental evidence demonstrating its impact on protein function have been reported. No clinical diagnostic laboratories have submitted clinical-significance assessments for this variant to ClinVar after 2014. Based on the evidence outlined above, the variant was classified as uncertain significance.

NM_000059.4(BRCA2):c.8678A>T (p.Gln2893Leu)

Gene: BRCA2 (BRCA2 DNA repair associated; plus strand). Cytogenetic location: 13q13.1.
Variant type: single nucleotide variant.
Coding change: c.8678A>T on transcript NM_000059.4 (MANE Select); coding-DNA position 8678, A replaced by T.
Protein change: p.Gln2893Leu; replaces glutamine 2893 with leucine.
Molecular consequence: missense variant.
Genome position (GRCh38, 1-based): chr13:32,376,715, A>T. VCF-style: chr13-32376715-A-T. GRCh37 (hg19) VCF-style: chr13-32950852-A-T.
Other names: c.8582A>T, p.Gln2861Leu (NM_001406719.1); c.8678A>T, p.Gln2893Leu (NM_001406720.1); c.3746A>T, p.Gln1249Leu (NM_001406721.1); c.2261A>T, p.Gln754Leu (NM_001406722.1); short protein forms Q1249L, Q2861L, Q2893L, Q754L.
Identifiers: ClinVar variation 1705070 (VCV001705070.3), dbSNP rs1555288153, ClinGen allele CA387754760.